The following is an entry in ClinVar:

NM_206933.4(USH2A):c.4002G>A (p.Lys1334=)

Genes: USH2A (usherin; minus strand), USH2A-AS1 (USH2A antisense RNA 1; plus strand). Cytogenetic location: 1q41.
Variant type: single nucleotide variant.
Coding change: c.4002G>A on transcript NM_206933.4 (MANE Select); coding-DNA position 4002, G replaced by A.
Protein change: p.Lys1334=; no amino-acid change (lysine 1334 retained).
Molecular consequence: synonymous variant.
Genome position (GRCh38, 1-based): chr1:216,198,394, C>T on the plus strand (G>A on the coding strand, the complement: USH2A is on the minus strand). VCF-style: chr1-216198394-C-T. GRCh37 (hg19) VCF-style: chr1-216371736-C-T.
Other names: c.4002G>A, p.Lys1334= (NM_007123.6).
Identifiers: ClinVar variation 166507 (VCV000166507.13), dbSNP rs727503733, ClinGen allele CA179568.

ClinVar aggregate classification (germline): Likely benign. Review status: criteria provided, multiple submitters, no conflicts (2 of 4 stars). 4 submissions from 3 submitters: Likely benign (4). Last evaluated 2023-11-04.

Conditions:
Retinitis pigmentosa 39 (RP39). Identifiers: Orphanet 791, MedGen C3151138, MONDO:0013436, OMIM 613809.
Usher syndrome type 2A. Also called: RETINAL DISEASE IN USHER SYNDROME TYPE IIA, MODIFIER OF; USHER SYNDROME, TYPE IIA. Identifiers: Orphanet 231178, Orphanet 886, MedGen C1848634, MONDO:0010169, OMIM 276901.

Allele frequency attached by ClinVar (database versions not stated): TOPMed 0.00002.

Submissions (4):

Genome-Nilou Lab
Classification: Likely benign for Retinitis pigmentosa 39. Last evaluated: 2023-11-04. Review status: criteria provided, single submitter. Criteria: ACMG Guidelines, 2015. Collection method: clinical testing. Allele origin: germline. Affected: no.

Genome-Nilou Lab
Classification: Likely benign for Usher syndrome type 2A. Last evaluated: 2023-11-04. Review status: criteria provided, single submitter. Criteria: ACMG Guidelines, 2015. Collection method: clinical testing. Allele origin: germline. Affected: no.

Labcorp Genetics (formerly Invitae), Labcorp
Classification: Likely benign. Last evaluated: 2023-08-16. Review status: criteria provided, single submitter. Criteria: Invitae Variant Classification Sherloc (09022015). Collection method: clinical testing. Allele origin: germline.

Laboratory for Molecular Medicine, Mass General Brigham Personalized Medicine
Classification: Likely benign. Last evaluated: 2013-11-09. Review status: criteria provided, single submitter. Criteria: LMM Criteria. Collection method: clinical testing. Allele origin: germline. Observed: 1 variant allele.
Comment: Lys1334Lys in Exon 18 of USH2A: This variant is not expected to have clinical si gnificance because it does not alter an amino acid residue and is not located wi thin the splice consensus sequence.